The following is an entry in ClinVar:

ClinVar aggregate classification (germline): Benign (1 of 4 stars; one submission).

Conditions:
Oligodontia-cancer predisposition syndrome. Also called: TOOTH AGENESIS-COLORECTAL CANCER SYNDROME. Identifiers: Orphanet 300576, MedGen C1837750, MONDO:0012075, OMIM 608615. Disease mechanism: loss of function.

Submission:

Myriad Genetics, Inc.
Classification: Benign for Oligodontia-cancer predisposition syndrome. Last evaluated: 2024-06-28. Review status: criteria provided, single submitter. Criteria: Myriad Autosomal Dominant, Autosomal Recessive and X-Linked Classification Criteria (2023). Collection method: clinical testing. Allele origin: unknown.
Comment: This variant is considered benign. This variant is a silent/synonymous amino acid change and it is not expected to impact splicing.

NM_004655.4(AXIN2):c.996G>A (p.Gln332=)

Gene: AXIN2 (axin 2; minus strand). Cytogenetic location: 17q24.1.
Variant type: single nucleotide variant.
Coding change: c.996G>A on transcript NM_004655.4 (MANE Select); coding-DNA position 996, G replaced by A.
Protein change: p.Gln332=; no amino-acid change (glutamine 332 retained).
Molecular consequence: synonymous variant.
Genome position (GRCh38, 1-based): chr17:65,541,518, C>T on the plus strand (G>A on the coding strand, the complement: AXIN2 is on the minus strand). VCF-style: chr17-65541518-C-T. GRCh37 (hg19) VCF-style: chr17-63537636-C-T.
Other names: c.996G>A, p.Gln332= (NM_001363813.1).
Identifiers: ClinVar variation 3254308 (VCV003254308.1), dbSNP rs773403638.
Genomic context (GRCh38, chr17:65,541,518, plus strand): 5'-GAAATGAGGTAGAGACACTTGGCCATTGGCCTTCACACTGCGATGCATTTCTCTCTGGAG[C>T]TGTTTCTTACTGCCCACACGATAAGGAGGAATTCCATCTCTAAGGGAAAGGAAAAGACAG-3'
Protein context (NP_004646.3, residues 322-342): IPPYRVGSKK[Gln332=]LQREMHRSVK